The following is an entry in ClinVar:

NM_022726.4(ELOVL4):c.253G>A (p.Gly85Arg)

Gene: ELOVL4 (ELOVL fatty acid elongase 4; minus strand). Cytogenetic location: 6q14.1.
Variant type: single nucleotide variant.
Coding change: c.253G>A on transcript NM_022726.4 (MANE Select); coding-DNA position 253, G replaced by A.
Protein change: p.Gly85Arg; replaces glycine 85 with arginine.
Molecular consequence: missense variant.
Genome position (GRCh38, 1-based): chr6:79,926,229, C>T on the plus strand (G>A on the coding strand, the complement: ELOVL4 is on the minus strand). VCF-style: chr6-79926229-C-T. GRCh37 (hg19) VCF-style: chr6-80635946-C-T.
Other names: short protein forms G85R.
Identifiers: ClinVar variation 2053663 (VCV002053663.4), dbSNP rs2532980595, ClinGen allele CA364657309.
Genomic context (GRCh38, chr6:79,926,229, plus strand): 5'-TATTAAAGTGATCTTAAAAACATACCTCTCTGAAGATAAAGAGGTTAAGCAAAACCATCC[C>T]AAAATTATAGATAATGAGCACTAGACGCATCTGAAAAGGTTCTCGGTCCTTCATCCATTT-3'
Protein context (NP_073563.1, residues 75-95): MRLVLIIYNF[Gly85Arg]MVLLNLFIFR

ClinVar aggregate classification (germline): Uncertain significance (1 of 4 stars; one submission).

Submission:

Labcorp Genetics (formerly Invitae), Labcorp
Classification: Uncertain significance. Last evaluated: 2021-12-22. Review status: criteria provided, single submitter. Criteria: Invitae Variant Classification Sherloc (09022015). Collection method: clinical testing. Allele origin: germline.
Comment: In summary, the available evidence is currently insufficient to determine the role of this variant in disease. Therefore, it has been classified as a Variant of Uncertain Significance. Algorithms developed to predict the effect of sequence changes on RNA splicing suggest that this variant may create or strengthen a splice site. Algorithms developed to predict the effect of missense changes on protein structure and function are either unavailable or do not agree on the potential impact of this missense change (SIFT: "Tolerated"; PolyPhen-2: "Possibly Damaging"; Align-GVGD: "Class C0"). This variant has not been reported in the literature in individuals affected with ELOVL4-related conditions. This variant is not present in population databases (gnomAD no frequency). This sequence change replaces glycine, which is neutral and non-polar, with arginine, which is basic and polar, at codon 85 of the ELOVL4 protein (p.Gly85Arg).